The following is an entry in ClinVar:

ClinVar aggregate classification (germline): Uncertain significance (1 of 4 stars; one submission).

Conditions:
Dyskeratosis congenita, autosomal dominant 2. Identifiers: MedGen C3151443, MONDO:0013521, OMIM 613989.
Idiopathic Pulmonary Fibrosis. Also called: Idiopathic fibrosing alveolitis, chronic form; idiopathic fibrosing alveolitis. Identifiers: Orphanet 2032, MedGen C1800706, MeSH D054990, MONDO:0800504.

Allele frequency attached by ClinVar (database versions not stated): gnomAD exomes below 0.00001; TOPMed below 0.00001; gnomAD 0.00001.
gnomAD v4.1: 3 of 1,608,632 alleles (0.00019%); highest among the groups gnomAD compares: African/African-American, 0.0013%; no homozygotes.

Submission:

Labcorp Genetics (formerly Invitae), Labcorp
Classification: Uncertain significance for Dyskeratosis congenita, autosomal dominant 2; Idiopathic Pulmonary Fibrosis. Last evaluated: 2024-04-10. Review status: criteria provided, single submitter. Criteria: Invitae Variant Classification Sherloc (09022015). Collection method: clinical testing. Allele origin: germline.
Comment: This sequence change falls in intron 8 of the TERT gene. It does not directly change the encoded amino acid sequence of the TERT protein. This variant is present in population databases (no rsID available, gnomAD 0.01%). This variant has not been reported in the literature in individuals affected with TERT-related conditions. ClinVar contains an entry for this variant (Variation ID: 2078138). Algorithms developed to predict the effect of sequence changes on RNA splicing suggest that this variant may create or strengthen a splice site. In summary, the available evidence is currently insufficient to determine the role of this variant in disease. Therefore, it has been classified as a Variant of Uncertain Significance.

NM_198253.3(TERT):c.2468+20G>A

Gene: TERT (telomerase reverse transcriptase; minus strand). Cytogenetic location: 5p15.33.
Variant type: single nucleotide variant.
Coding change: c.2468+20G>A on transcript NM_198253.3 (MANE Select); 20 bases into the intron after coding-DNA position 2468, G replaced by A.
Molecular consequence: intron variant.
Genome position (GRCh38, 1-based): chr5:1,271,099, C>T on the plus strand (G>A on the coding strand, the complement: TERT is on the minus strand). VCF-style: chr5-1271099-C-T. GRCh37 (hg19) VCF-style: chr5-1271214-C-T.
Other names: c.2468+20G>A (NM_001193376.3).
Identifiers: ClinVar variation 2078138 (VCV002078138.3), dbSNP rs1258213117, ClinGen allele CA557567560.